The following is an entry in ClinVar:

NM_004204.5(PIGQ):c.1273C>T (p.Arg425Trp)

Gene: PIGQ (phosphatidylinositol glycan anchor biosynthesis class Q; plus strand). Cytogenetic location: 16p13.3.
Variant type: single nucleotide variant.
Coding change: c.1273C>T on transcript NM_004204.5 (MANE Select); coding-DNA position 1273, C replaced by T.
Protein change: p.Arg425Trp; replaces arginine 425 with tryptophan.
Molecular consequence: missense variant.
Genome position (GRCh38, 1-based): chr16:579,118, C>T. VCF-style: chr16-579118-C-T. GRCh37 (hg19) VCF-style: chr16-629118-C-T.
Other names: c.1273C>T, p.Arg425Trp (NM_148920.4); short protein forms R425W.
Identifiers: ClinVar variation 1056565 (VCV001056565.9), dbSNP rs748937327, ClinGen allele CA7780207.

ClinVar aggregate classification (germline): Uncertain significance. Review status: criteria provided, multiple submitters, no conflicts (2 of 4 stars). 2 submissions from 2 submitters: Uncertain significance (2). Last evaluated 2026-08-01.

Conditions:
Epilepsy. Also called: Seizure disorder. Identifiers: MedGen C0014544, MeSH D004827, MONDO:0005027.

Allele frequency attached by ClinVar (database versions not stated): gnomAD 0.00001; gnomAD exomes 0.00001; ExAC 0.00002; TOPMed 0.00002.
gnomAD v4.1: 8 of 1,612,866 alleles (0.0005%); highest among the groups gnomAD compares: Middle Eastern, 0.016%; no homozygotes.

Submissions (2):

CeGaT Center for Human Genetics Tuebingen
Classification: Uncertain significance. Last evaluated: 2026-08-01. Review status: criteria provided, single submitter. Criteria: CeGaT Center For Human Genetics Tuebingen Variant Classification Criteria Version 2. Collection method: clinical testing. Allele origin: germline. Affected: yes. Observed: 1 variant allele.
Comment: PIGQ: PM2

Labcorp Genetics (formerly Invitae), Labcorp
Classification: Uncertain significance for Epilepsy. Last evaluated: 2018-03-05. Review status: criteria provided, single submitter. Criteria: Invitae Variant Classification Sherloc (09022015). Collection method: clinical testing. Allele origin: germline.
Comment: In summary, the available evidence is currently insufficient to determine the role of this variant in disease. Therefore, it has been classified as a Variant of Uncertain Significance. Algorithms developed to predict the effect of missense changes on protein structure and function do not agree on the potential impact of this missense change (SIFT: "Deleterious"; PolyPhen-2: "Probably Damaging"; Align-GVGD: "Class C0"). This variant has not been reported in the literature in individuals with PIGQ-related disease. This variant is present in population databases (rs748937327, ExAC 0.003%). This sequence change replaces arginine with tryptophan at codon 425 of the PIGQ protein (p.Arg425Trp). The arginine residue is highly conserved and there is a moderate physicochemical difference between arginine and tryptophan.